The following is an entry in ClinVar:

ClinVar aggregate classification (germline): Uncertain significance. Review status: criteria provided, multiple submitters, no conflicts (2 of 4 stars). 2 submissions from 2 submitters: Uncertain significance (2). Last evaluated 2025-12-15.

Conditions:
Pitt-Hopkins-like syndrome 2 (PTHSL2). Identifiers: Orphanet 221150, Orphanet 600663, MedGen C3280479, MONDO:0013690, OMIM 614325.
Chromosome 2p16.3 deletion syndrome. Identifiers: MedGen C3808494, MONDO:0013696, OMIM 614332.

Allele frequency attached by ClinVar (database versions not stated): gnomAD 0.00004 and 0.00005; gnomAD exomes 0.00005 and 0.00011; TOPMed 0.00005; ESP Exome Variant Server 0.00008; ExAC 0.00012; 1000 Genomes Project 30x 0.00016; 1000 Genomes Project 0.00020.
gnomAD v4.1: 75 of 1,613,360 alleles (0.0046%); highest among the groups gnomAD compares: South Asian, 0.014%; no homozygotes.

Submissions (2):

Labcorp Genetics (formerly Invitae), Labcorp
Classification: Uncertain significance for Pitt-Hopkins-like syndrome 2. Last evaluated: 2025-12-15. Review status: criteria provided, single submitter. Criteria: Invitae Variant Classification Sherloc (09022015). Collection method: clinical testing. Allele origin: germline.
Comment: This sequence change replaces threonine, which is neutral and polar, with methionine, which is neutral and non-polar, at codon 1176 of the NRXN1 protein (p.Thr1176Met). This variant is present in population databases (rs138261348, gnomAD 0.03%). This variant has not been reported in the literature in individuals affected with NRXN1-related conditions. ClinVar contains an entry for this variant (Variation ID: 206265). Invitae Evidence Modeling of protein sequence and biophysical properties (such as structural, functional, and spatial information, amino acid conservation, physicochemical variation, residue mobility, and thermodynamic stability) indicates that this missense variant is not expected to disrupt NRXN1 protein function with a negative predictive value of 80%. In summary, the available evidence is currently insufficient to determine the role of this variant in disease. Therefore, it has been classified as a Variant of Uncertain Significance.

Fulgent Genetics
Classification: Uncertain significance for Pitt-Hopkins-like syndrome 2; Chromosome 2p16.3 deletion syndrome. Last evaluated: 2018-10-31. Review status: criteria provided, single submitter. Criteria: ACMG Guidelines, 2015. Collection method: clinical testing. Allele origin: unknown.

NM_001330078.2(NRXN1):c.3407C>T (p.Thr1136Met)

Gene: NRXN1 (neurexin 1; minus strand). Cytogenetic location: 2p16.3.
Variant type: single nucleotide variant.
Coding change: c.3407C>T on transcript NM_001330078.2 (MANE Select); coding-DNA position 3407, C replaced by T.
Protein change: p.Thr1136Met; replaces threonine 1136 with methionine.
Molecular consequence: missense variant.
Genome position (GRCh38, 1-based): chr2:50,236,928, G>A on the plus strand (C>T on the coding strand, the complement: NRXN1 is on the minus strand). VCF-style: chr2-50236928-G-A. GRCh37 (hg19) VCF-style: chr2-50464066-G-A.
Other names: c.3296C>T, p.Thr1099Met (NM_001330096.2, NM_001330087.2); c.302C>T, p.Thr101Met (NM_001330097.2, NM_138735.5, NM_001330091.2 and 1 more transcripts); c.3407C>T, p.Thr1136Met (NM_004801.6, NM_001330086.2); c.3527C>T, p.Thr1176Met (NM_001135659.3); c.3383C>T, p.Thr1128Met (NM_001330077.2, NM_001330082.2); c.3341C>T, p.Thr1114Met (NM_001330083.2, NM_001330084.2); c.3380C>T, p.Thr1127Met (NM_001330085.2); c.3326C>T, p.Thr1109Met (NM_001330088.2); and 3 more; short protein forms T1176M, T1132M, T1136M, T1127M, T1135M, T1119M, T101M, T1099M.
Identifiers: ClinVar variation 206265 (VCV000206265.10), dbSNP rs138261348, ClinGen allele CA316177.